The following is an entry in ClinVar:

ClinVar aggregate classification (germline): Uncertain significance (1 of 4 stars; one submission).

Allele frequency attached by ClinVar (database versions not stated): gnomAD exomes below 0.00001; TOPMed 0.00001.
gnomAD v4.1: 2 of 1,209,802 alleles (0.00017%); highest among the groups gnomAD compares: Non-Finnish European, 0.00022%; no homozygotes.

Submission:

Labcorp Genetics (formerly Invitae), Labcorp
Classification: Uncertain significance. Last evaluated: 2025-04-07. Review status: criteria provided, single submitter. Criteria: Invitae Variant Classification Sherloc (09022015). Collection method: clinical testing. Allele origin: germline.
Comment: This sequence change falls in intron 3 of the BGN gene. It does not directly change the encoded amino acid sequence of the BGN protein. It affects a nucleotide within the consensus splice site. This variant is not present in population databases (gnomAD no frequency). This variant has not been reported in the literature in individuals affected with BGN-related conditions. ClinVar contains an entry for this variant (Variation ID: 1422102). Variants that disrupt the consensus splice site are a relatively common cause of aberrant splicing (PMID: 17576681, 9536098). Algorithms developed to predict the effect of sequence changes on RNA splicing suggest that this variant is not likely to affect RNA splicing. In summary, the available evidence is currently insufficient to determine the role of this variant in disease. Therefore, it has been classified as a Variant of Uncertain Significance.

Literature cited by the submitters: PubMed 17576681; PubMed 9536098.

NM_001711.6(BGN):c.352-3C>T

Gene: BGN (biglycan; plus strand). Cytogenetic location: Xq28.
Variant type: single nucleotide variant.
Coding change: c.352-3C>T on transcript NM_001711.6 (MANE Select); 3 bases into the intron before coding-DNA position 352, C replaced by T.
Molecular consequence: intron variant.
Genome position (GRCh38, 1-based): chrX:153,505,860, C>T. VCF-style: chrX-153505860-C-T. GRCh37 (hg19) VCF-style: chrX-152771318-C-T.
Identifiers: ClinVar variation 1422102 (VCV001422102.6), dbSNP rs1305391696, ClinGen allele CA873202181.